The following is an entry in ClinVar:

NM_001007228.2(SPOP):c.79-4A>G

Gene: SPOP (speckle type BTB/POZ protein; minus strand). Cytogenetic location: 17q21.33.
Variant type: single nucleotide variant.
Coding change: c.79-4A>G on transcript NM_001007228.2 (MANE Select); 4 bases into the intron before coding-DNA position 79, A replaced by G.
Molecular consequence: intron variant.
Genome position (GRCh38, 1-based): chr17:49,622,071, T>C on the plus strand (A>G on the coding strand, the complement: SPOP is on the minus strand). VCF-style: chr17-49622071-T-C. GRCh37 (hg19) VCF-style: chr17-47699433-T-C.
Other names: c.79-4A>G (NM_001007229.1, NM_001007227.1, NM_001007230.1 and 5 more transcripts).
Identifiers: ClinVar variation 5009801 (VCV005009801.1).

ClinVar aggregate classification (germline): Uncertain significance (1 of 4 stars; one submission).

Submission:

GeneDx
Classification: Uncertain significance. Last evaluated: 2026-02-19. Review status: criteria provided, single submitter. Criteria: GeneDx Variant Classification Process June 2021. Collection method: clinical testing. Allele origin: germline.
Comment: Not observed at significant frequency in large population cohorts (gnomAD); In silico analysis supports a deleterious effect on splicing; Has not been previously published as pathogenic or benign to our knowledge